The following is an entry in ClinVar:

ClinVar aggregate classification (germline): Uncertain significance. Review status: criteria provided, single submitter (1 of 4 stars). 2 submissions from 2 submitters: Uncertain significance (1). 1 of the submissions does not count toward it. Last evaluated 2024-01-04.

Conditions:
NR0B2-related disorder. Also called: NR0B2-related condition.

Allele frequency attached by ClinVar (database versions not stated): 1000 Genomes Project 0.00060; 1000 Genomes Project 30x 0.00062; ESP Exome Variant Server 0.00085.
gnomAD v4.1: 155 of 1,526,314 alleles (0.01%); highest among the groups gnomAD compares: African/African-American, 0.15%; no homozygotes.

Submissions (2):

Labcorp Genetics (formerly Invitae), Labcorp
Classification: Uncertain significance. Last evaluated: 2024-01-04. Review status: criteria provided, single submitter. Criteria: Invitae Variant Classification Sherloc (09022015). Collection method: clinical testing. Allele origin: germline.
Comment: This sequence change replaces arginine, which is basic and polar, with glutamine, which is neutral and polar, at codon 45 of the NR0B2 protein (p.Arg45Gln). This variant is present in population databases (rs150546920, gnomAD 0.2%), and has an allele count higher than expected for a pathogenic variant. This variant has not been reported in the literature in individuals affected with NR0B2-related conditions. Advanced modeling of protein sequence and biophysical properties (such as structural, functional, and spatial information, amino acid conservation, physicochemical variation, residue mobility, and thermodynamic stability) performed at Invitae indicates that this missense variant is not expected to disrupt NR0B2 protein function with a negative predictive value of 80%. In summary, the available evidence is currently insufficient to determine the role of this variant in disease. Therefore, it has been classified as a Variant of Uncertain Significance.

PreventionGenetics, part of Exact Sciences
Classification: Likely benign for NR0B2-related condition. Last evaluated: 2023-05-12. Review status: no assertion criteria provided. Collection method: clinical testing. Allele origin: germline. Not counted in ClinVar's aggregate classification.
Comment: This variant is classified as likely benign based on ACMG/AMP sequence variant interpretation guidelines (Richards et al. 2015 PMID: 25741868, with internal and published modifications).

NM_021969.3(NR0B2):c.134G>A (p.Arg45Gln)

Genes: NR0B2 (nuclear receptor subfamily 0 group B member 2; minus strand), NUDC (nuclear distribution C, dynein complex regulator; plus strand). Cytogenetic location: 1p36.11.
Variant type: single nucleotide variant.
Coding change: c.134G>A on transcript NM_021969.3 (MANE Select); coding-DNA position 134, G replaced by A.
Protein change: p.Arg45Gln; replaces arginine 45 with glutamine.
Molecular consequence: missense variant.
Genome position (GRCh38, 1-based): chr1:26,913,807, C>T on the plus strand (G>A on the coding strand, the complement: NR0B2 is on the minus strand). VCF-style: chr1-26913807-C-T. GRCh37 (hg19) VCF-style: chr1-27240298-C-T.
Other names: c.134G>A (NM_021969.2); short protein forms R45Q.
Identifiers: ClinVar variation 2919166 (VCV002919166.5), dbSNP rs150546920, ClinGen allele CA709719.